The following is an entry in ClinVar:

NM_000080.4(CHRNE):c.1141G>A (p.Ala381Thr)

Genes: CHRNE (cholinergic receptor nicotinic epsilon subunit; minus strand), LOC130060040 (ATAC-STARR-seq lymphoblastoid silent region 8049; plus strand). Cytogenetic location: 17p13.2.
Variant type: single nucleotide variant.
Coding change: c.1141G>A on transcript NM_000080.4 (MANE Select); coding-DNA position 1141, G replaced by A.
Protein change: p.Ala381Thr; replaces alanine 381 with threonine.
Molecular consequence: missense variant.
Genome position (GRCh38, 1-based): chr17:4,899,276, C>T on the plus strand (G>A on the coding strand, the complement: CHRNE is on the minus strand). VCF-style: chr17-4899276-C-T. GRCh37 (hg19) VCF-style: chr17-4802571-C-T.
Other names: short protein forms A381T.
Identifiers: ClinVar variation 1400118 (VCV001400118.5), dbSNP rs547989166, ClinGen allele CA8314005.

ClinVar aggregate classification (germline): Uncertain significance (1 of 4 stars; one submission).

Conditions:
Congenital myasthenic syndrome 4A. Also called: Myasthenic syndrome, congenital, 4a, slow-channel; MYASTHENIC SYNDROME, CONGENITAL, 4A, SLOW-CHANNEL, AUTOSOMAL RECESSIVE; CONGENITAL MYASTHENIC SYNDROME TYPE Ia1. Identifiers: Orphanet 590, MedGen C4225413, MONDO:0011600, OMIM 605809.

Allele frequency attached by ClinVar (database versions not stated): TOPMed below 0.00001; gnomAD 0.00001; ExAC 0.00002; gnomAD exomes 0.00003; 1000 Genomes Project 0.00020; 1000 Genomes Project 30x 0.00031.
gnomAD v4.1: 10 of 1,601,688 alleles (0.00062%); highest among the groups gnomAD compares: Admixed American, 0.0067%; no homozygotes.

Submission:

Labcorp Genetics (formerly Invitae), Labcorp
Classification: Uncertain significance for Congenital myasthenic syndrome 4A. Last evaluated: 2022-03-14. Review status: criteria provided, single submitter. Criteria: Invitae Variant Classification Sherloc (09022015). Collection method: clinical testing. Allele origin: germline.
Comment: This sequence change replaces alanine, which is neutral and non-polar, with threonine, which is neutral and polar, at codon 381 of the CHRNE protein (p.Ala381Thr). This variant is present in population databases (rs547989166, gnomAD 0.009%). This variant has not been reported in the literature in individuals affected with CHRNE-related conditions. Advanced modeling of protein sequence and biophysical properties (such as structural, functional, and spatial information, amino acid conservation, physicochemical variation, residue mobility, and thermodynamic stability) performed at Invitae indicates that this missense variant is not expected to disrupt CHRNE protein function. In summary, the available evidence is currently insufficient to determine the role of this variant in disease. Therefore, it has been classified as a Variant of Uncertain Significance.